The following is an entry in ClinVar:

NM_001148.6(ANK2):c.6041A>C (p.Lys2014Thr)

Genes: ANK2 (ankyrin 2; plus strand), LOC126807136 (MED14-independent group 3 enhancer GRCh37_chr4:114274931-114276130; plus strand). Cytogenetic location: 4q26.
Variant type: single nucleotide variant.
Coding change: c.6041A>C on transcript NM_001148.6 (MANE Select); coding-DNA position 6041, A replaced by C.
Protein change: p.Lys2014Thr; replaces lysine 2014 with threonine.
Molecular consequence: missense variant. On other transcripts: intron variant (68).
Genome position (GRCh38, 1-based): chr4:113,354,659, A>C. VCF-style: chr4-113354659-A-C. GRCh37 (hg19) VCF-style: chr4-114275815-A-C.
Other names: c.5807A>C, p.Lys1936Thr (NM_001386142.1); c.2441A>C, p.Lys814Thr (NM_001386166.1); c.6182A>C, p.Lys2061Thr (NM_001386174.1); c.6158A>C, p.Lys2053Thr (NM_001386175.1); c.4411+4410A>C (NM_001386186.2, NM_001386148.2); c.4213+4410A>C (NM_001354269.3); c.4291+4410A>C (NM_001386187.2); c.4252+4410A>C (NM_001386147.1); and 35 more; short protein forms K1936T, K2014T, K2061T, K814T, K2053T.
Identifiers: ClinVar variation 2193127 (VCV002193127.5), dbSNP rs1588932604, ClinGen allele CA357922229.

ClinVar aggregate classification (germline): Uncertain significance. Review status: criteria provided, multiple submitters, no conflicts (2 of 4 stars). 2 submissions from 2 submitters: Uncertain significance (2). Last evaluated 2025-11-03.

Conditions:
Long QT syndrome (LQTS). Identifiers: MedGen C0023976, MeSH D008133, MONDO:0002442. Disease mechanism: loss of function. Inheritance: Various modes of inheritance.
Cardiovascular phenotype. Identifiers: MedGen CN230736.

Allele frequency attached by ClinVar (database versions not stated): gnomAD exomes below 0.00001; TOPMed below 0.00001.
gnomAD v4.1: 4 of 1,614,170 alleles (0.00025%); highest among the groups gnomAD compares: Non-Finnish European, 0.00034%; no homozygotes.

Submissions (2):

Ambry Genetics
Classification: Uncertain significance for Cardiovascular phenotype. Last evaluated: 2025-11-03. Review status: criteria provided, single submitter. Criteria: Ambry Variant Classification Scheme 2023. Collection method: clinical testing. Allele origin: germline.

Labcorp Genetics (formerly Invitae), Labcorp
Classification: Uncertain significance for Long QT syndrome. Last evaluated: 2022-09-15. Review status: criteria provided, single submitter. Criteria: Invitae Variant Classification Sherloc (09022015). Collection method: clinical testing. Allele origin: germline.
Comment: This sequence change replaces lysine, which is basic and polar, with threonine, which is neutral and polar, at codon 2014 of the ANK2 protein (p.Lys2014Thr). This variant is not present in population databases (gnomAD no frequency). This variant has not been reported in the literature in individuals affected with ANK2-related conditions. Advanced modeling of protein sequence and biophysical properties (such as structural, functional, and spatial information, amino acid conservation, physicochemical variation, residue mobility, and thermodynamic stability) performed at Invitae indicates that this missense variant is not expected to disrupt ANK2 protein function. In summary, the available evidence is currently insufficient to determine the role of this variant in disease. Therefore, it has been classified as a Variant of Uncertain Significance.